The following is an entry in ClinVar:

NM_005733.3(KIF20A):c.2095T>C (p.Cys699Arg)

Gene: KIF20A (kinesin family member 20A; plus strand). Cytogenetic location: 5q31.2.
Variant type: single nucleotide variant.
Coding change: c.2095T>C on transcript NM_005733.3 (MANE Select); coding-DNA position 2095, T replaced by C.
Protein change: p.Cys699Arg; replaces cysteine 699 with arginine.
Molecular consequence: missense variant.
Genome position (GRCh38, 1-based): chr5:138,185,680, T>C. VCF-style: chr5-138185680-T-C. GRCh37 (hg19) VCF-style: chr5-137521369-T-C.
Other names: short protein forms C699R.
Identifiers: ClinVar variation 1380503 (VCV001380503.8), dbSNP rs780212950, ClinGen allele CA128186934.

ClinVar aggregate classification (germline): Uncertain significance (1 of 4 stars; one submission).

gnomAD v4.1: 21 of 1,614,112 alleles (0.0013%); highest among the groups gnomAD compares: Admixed American, 0.0017%; no homozygotes.

Submission:

Labcorp Genetics (formerly Invitae), Labcorp
Classification: Uncertain significance. Last evaluated: 2024-10-30. Review status: criteria provided, single submitter. Criteria: Invitae Variant Classification Sherloc (09022015). Collection method: clinical testing. Allele origin: germline.
Comment: This sequence change replaces cysteine, which is neutral and slightly polar, with arginine, which is basic and polar, at codon 699 of the KIF20A protein (p.Cys699Arg). This variant is present in population databases (no rsID available, gnomAD 0.0009%). This variant has not been reported in the literature in individuals affected with KIF20A-related conditions. ClinVar contains an entry for this variant (Variation ID: 1380503). An algorithm developed to predict the effect of missense changes on protein structure and function (PolyPhen-2) suggests that this variant is likely to be disruptive. In summary, the available evidence is currently insufficient to determine the role of this variant in disease. Therefore, it has been classified as a Variant of Uncertain Significance.